The following is an entry in ClinVar:

NM_000426.4(LAMA2):c.6232A>T (p.Lys2078Ter)

Genes: LAMA2 (laminin subunit alpha 2; plus strand), LOC123864065 (Sharpr-MPRA regulatory region 661; plus strand). Cytogenetic location: 6q22.33.
Variant type: single nucleotide variant.
Coding change: c.6232A>T on transcript NM_000426.4 (MANE Select); coding-DNA position 6232, A replaced by T.
Protein change: p.Lys2078Ter; replaces lysine 2078 with a stop codon.
Molecular consequence: nonsense.
Genome position (GRCh38, 1-based): chr6:129,440,962, A>T. VCF-style: chr6-129440962-A-T. GRCh37 (hg19) VCF-style: chr6-129762107-A-T.
Other names: c.6232A>T, p.Lys2078Ter (NM_001079823.2); short protein forms K2078*.
Identifiers: ClinVar variation 1726328 (VCV001726328.3), dbSNP rs2533386033, ClinGen allele CA365629659.
Genomic context (GRCh38, chr6:129,440,962, plus strand): 5'-CTCCACCAGAACCTCGATGGCCTGAAGAAGAATTACAATAAACTAGCAGACAGCGTCGCC[A>T]AAACGAATGCTGTGGTTAAAGATCCTTCCAAGAACAGTAAGATCTCCTTTTTCATTGTGA-3'

ClinVar aggregate classification (germline): Likely pathogenic (1 of 4 stars; one submission).

Conditions:
LAMA2-related muscular dystrophy (LAMA2-RD). Also called: Laminin alpha 2-related dystrophy. Identifiers: MedGen C5679788, MONDO:0100228.

Submission:

Myriad Genetics, Inc.
Classification: Likely pathogenic for LAMA2-related muscular dystrophy. Last evaluated: 2021-12-16. Review status: criteria provided, single submitter. Criteria: Myriad Autosomal Dominant, Autosomal Recessive and X-Linked Classification Criteria (2023). Collection method: clinical testing. Allele origin: unknown.
Comment: NM_000426.3(LAMA2):c.6232A>T(K2078*) is expected to be pathogenic in the context of muscular dystrophy, LAMA2-related. This variant is predicted to lead to an abnormal or absent protein product due to the creation of a premature termination codon in LAMA2, a gene where loss-of-function variants are known to be pathogenic. Please note: this variant was assessed in the context of healthy population screening.